The following is an entry in ClinVar:

NM_000687.4(AHCY):c.142G>A (p.Ala48Thr)

Gene: AHCY (adenosylhomocysteinase; minus strand). Cytogenetic location: 20q11.22.
Variant type: single nucleotide variant.
Coding change: c.142G>A on transcript NM_000687.4 (MANE Select); coding-DNA position 142, G replaced by A.
Protein change: p.Ala48Thr; replaces alanine 48 with threonine.
Molecular consequence: missense variant.
Genome position (GRCh38, 1-based): chr20:34,295,472, C>T on the plus strand (G>A on the coding strand, the complement: AHCY is on the minus strand). VCF-style: chr20-34295472-C-T. GRCh37 (hg19) VCF-style: chr20-32883278-C-T.
Other names: c.142G>A (NM_000687.3); c.58G>A, p.Ala20Thr (NM_001161766.2, NM_001322084.2, NM_001322085.2); c.148G>A, p.Ala50Thr (NM_001322086.2); c.142G>A, p.Ala48Thr (NM_001362750.2); short protein forms A50T, A48T, A20T.
Identifiers: ClinVar variation 2243828 (VCV002243828.4), dbSNP rs1279429799, ClinGen allele CA408660902.

ClinVar aggregate classification (germline): Conflicting classifications of pathogenicity. Review status: criteria provided, conflicting classifications (1 of 4 stars). 2 submissions from 2 submitters: Likely pathogenic (1); Uncertain significance (1). Last evaluated 2025-11-17.

Conditions:
Hypermethioninemia with deficiency of S-adenosylhomocysteine hydrolase. Identifiers: Orphanet 88618, MedGen C3151058, MONDO:0013404, OMIM 613752.
Inborn genetic diseases. Identifiers: MedGen C0950123, MeSH D030342.

Allele frequency attached by ClinVar (database versions not stated): gnomAD exomes 0.00001; TOPMed 0.00001; gnomAD 0.00002.
gnomAD v4.1: 19 of 1,614,000 alleles (0.0012%); highest among the groups gnomAD compares: African/African-American, 0.004%; no homozygotes.

Submissions (2):

Ambry Genetics
Classification: Uncertain significance for Inborn genetic diseases. Last evaluated: 2025-11-17. Review status: criteria provided, single submitter. Criteria: Ambry Variant Classification Scheme 2023. Collection method: clinical testing. Allele origin: germline.
Comment: The c.142G>A (p.A48T) alteration is located in exon 2 (coding exon 2) of the AHCY gene. This alteration results from a G to A substitution at nucleotide position 142, causing the alanine (A) at amino acid position 48 to be replaced by a threonine (T). Based on data from gnomAD, the A allele has an overall frequency of <0.001% (1/250254) total alleles studied. The highest observed frequency was 0.001% (1/112882) of European (non-Finnish) alleles. Based on insufficient or conflicting evidence, the clinical significance of this alteration remains unclear.

Rady Children's Institute for Genomic Medicine, Rady Children's Hospital San Diego
Classification: Likely pathogenic for HYPERMETHIONINEMIA WITH S-ADENOSYLHOMOCYSTEINE HYDROLASE DEFICIENCY. Review status: criteria provided, single submitter. Criteria: ACMG Guidelines, 2015. Collection method: clinical testing. Allele origin: germline. Affected: yes.
Comment: This variant has not been previously reported or functionally characterized in the literature to our knowledge. However, other variants in this gene at nearby amino acid residues, including c.145C>T (p.Arg49Cys) and c.146G>A (p.Arg49His), have been reported in the compound heterozygous or homozygous state in multiple unrelated individuals with S-adenosylhomocysteine hydrolase deficiency characterized by fetal hydrops, hypotonia, myopathy, feeding difficulties, respiratory failure, and elevated plasma S-adenosylhomocysteine, S-adenosylmethionine, and methionine (PMID: 19177456, 20852937, 26527160). This variant is present in the heterozygous state in the gnomAD population database at a frequency of 0.00040% (1/250254) and thus is presumed to be rare. The c.142G>A (p.Ala48Thr) variant affects a highly conserved amino acid and is predicted by multiple in silico tools to have a deleterious effect on protein function. Based on the available evidence, the c.142G>A (p.Ala48Thr) variant is classified as Likely Pathogenic.